The following is an entry in ClinVar:

NM_152703.5(SAMD9L):c.2856T>G (p.Ser952Arg)

Gene: SAMD9L (sterile alpha motif domain containing 9 like; minus strand). Cytogenetic location: 7q21.2.
Variant type: single nucleotide variant.
Coding change: c.2856T>G on transcript NM_152703.5 (MANE Select); coding-DNA position 2856, T replaced by G.
Protein change: p.Ser952Arg; replaces serine 952 with arginine.
Molecular consequence: missense variant.
Genome position (GRCh38, 1-based): chr7:93,133,116, A>C on the plus strand (T>G on the coding strand, the complement: SAMD9L is on the minus strand). VCF-style: chr7-93133116-A-C. GRCh37 (hg19) VCF-style: chr7-92762429-A-C.
Other names: c.2856T>G, p.Ser952Arg (NM_001303496.3, NM_001303497.3, NM_001303498.3 and 5 more transcripts); short protein forms S952R.
Identifiers: ClinVar variation 3949857 (VCV003949857.1).
Genomic context (GRCh38, chr7:93,133,116, plus strand): 5'-TATTAGAAGTGTAGAATAAGTTCCCATCTTGTCTTCTAAGCTTTCAGGTTCCCAGGGTGT[A>C]CTAGTGTATATGATTCCCAAAAATATTTCACACTGTGAAACTGAAATTGTAGAGTCAGTA-3'
Protein context (NP_689916.2, residues 942-962): CEIFLGIIYT[Ser952Arg]TPWEPESLED

ClinVar aggregate classification (germline): Uncertain significance (1 of 4 stars; one submission).

Conditions:
Inborn genetic diseases. Identifiers: MedGen C0950123, MeSH D030342.

Submission:

Ambry Genetics
Classification: Uncertain significance for Inborn genetic diseases. Last evaluated: 2025-04-18. Review status: criteria provided, single submitter. Criteria: Ambry Variant Classification Scheme 2023. Collection method: clinical testing. Allele origin: germline.
Comment: The p.S952R variant (also known as c.2856T>G), located in coding exon 1 of the SAMD9L gene, results from a T to G substitution at nucleotide position 2856. The serine at codon 952 is replaced by arginine, an amino acid with dissimilar properties. This amino acid position is conserved. In addition, this alteration is predicted to be tolerated by in silico analysis. Based on the available evidence, the clinical significance of this variant remains unclear.